The following is an entry in ClinVar:

ClinVar aggregate classification (germline): Uncertain significance. Review status: criteria provided, multiple submitters, no conflicts (2 of 4 stars). 5 submissions from 5 submitters: Uncertain significance (4). 1 of the submissions does not count toward it. Last evaluated 2025-12-17.

Conditions:
Lynch syndrome 4 (LYNCH4). Also called: Colorectal cancer, hereditary nonpolyposis, type 4; Hereditary non-polyposis colorectal cancer, type 4. Identifiers: Orphanet 144, MedGen C1838333, MONDO:0013699, OMIM 614337. Disease mechanism: loss of function.
Hereditary nonpolyposis colorectal neoplasms. Identifiers: MedGen C0009405, MeSH D003123.
Hereditary cancer-predisposing syndrome. Also called: Tumor predisposition; Hereditary neoplastic syndrome; Neoplastic Syndromes, Hereditary; Hereditary Cancer Syndrome. Identifiers: Orphanet 140162, MedGen C0027672, MeSH D009386, MONDO:0015356.
Mismatch repair cancer syndrome 1 (MMRCS1). Also called: MISMATCH REPAIR DEFICIENCY; MMR DEFICIENCY; BRAIN TUMOR-POLYPOSIS SYNDROME 1; BTP1 SYNDROME; CHILDHOOD CANCER SYNDROME. Identifiers: Orphanet 252202, MedGen C5399763, MONDO:0010159, OMIM 276300. Disease mechanism: loss of function.

gnomAD v4.1: 1 of 1,602,890 alleles (0.000062%); no homozygotes.

Submissions (5):

Labcorp Genetics (formerly Invitae), Labcorp
Classification: Uncertain significance for Hereditary nonpolyposis colorectal neoplasms. Last evaluated: 2025-12-17. Review status: criteria provided, single submitter. Criteria: Invitae Variant Classification Sherloc (09022015). Collection method: clinical testing. Allele origin: germline.
Comment: This sequence change replaces methionine, which is neutral and non-polar, with leucine, which is neutral and non-polar, at codon 797 of the PMS2 protein (p.Met797Leu). The frequency data for this variant in the population databases (gnomAD) is considered unreliable due to the presence of homologous sequence, such as pseudogenes or paralogs, in the genome. This variant has not been reported in the literature in individuals affected with PMS2-related conditions. ClinVar contains an entry for this variant (Variation ID: 525618). Invitae Evidence Modeling of protein sequence and biophysical properties (such as structural, functional, and spatial information, amino acid conservation, physicochemical variation, residue mobility, and thermodynamic stability) indicates that this missense variant is expected to disrupt PMS2 protein function with a positive predictive value of 80%. In summary, the available evidence is currently insufficient to determine the role of this variant in disease. Therefore, it has been classified as a Variant of Uncertain Significance.

Ambry Genetics
Classification: Uncertain significance for Hereditary cancer-predisposing syndrome. Last evaluated: 2024-12-06. Review status: criteria provided, single submitter. Criteria: Ambry Variant Classification Scheme 2023. Collection method: clinical testing. Allele origin: germline.
Comment: The p.M797L variant (also known as c.2389A>T), located in coding exon 14 of the PMS2 gene, results from an A to T substitution at nucleotide position 2389. The methionine at codon 797 is replaced by leucine, an amino acid with highly similar properties. This amino acid position is highly conserved in available vertebrate species. In addition, this alteration is predicted to be deleterious by in silico analysis. Based on the available evidence, the clinical significance of this variant remains unclear.

Myriad Genetics, Inc.
Classification: Uncertain significance for Lynch syndrome 4. Last evaluated: 2023-04-03. Review status: criteria provided, single submitter. Criteria: Myriad Autosomal Dominant, Autosomal Recessive and X-Linked Classification Criteria (2023). Collection method: clinical testing. Allele origin: unknown.
Comment: This variant is classified as a variant of uncertain significance as there is insufficient evidence to determine its impact on protein function and/or cancer risk.

Breakthrough Genomics
Classification: Uncertain significance. Review status: criteria provided, single submitter. Criteria: ACMG Guidelines, 2015. Collection method: not provided. Allele origin: germline. Inheritance: Autosomal recessive inheritance. Affected: yes.

Counsyl
Classification: Uncertain significance for Lynch syndrome 4. Last evaluated: 2017-07-07. Review status: no assertion criteria provided. Collection method: clinical testing. Allele origin: unknown. Not counted in ClinVar's aggregate classification.

NM_000535.7(PMS2):c.2389A>T (p.Met797Leu)

Gene: PMS2 (PMS1 homolog 2, mismatch repair system component; minus strand). Cytogenetic location: 7p22.1.
Variant type: single nucleotide variant.
Coding change: c.2389A>T on transcript NM_000535.7 (MANE Select); coding-DNA position 2389, A replaced by T.
Protein change: p.Met797Leu; replaces methionine 797 with leucine.
Molecular consequence: missense variant. On other transcripts: non-coding transcript variant (1).
Genome position (GRCh38, 1-based): chr7:5,977,644, T>A on the plus strand (A>T on the coding strand, the complement: PMS2 is on the minus strand). VCF-style: chr7-5977644-T-A. GRCh37 (hg19) VCF-style: chr7-6017275-T-A.
Other names: c.1984A>T, p.Met662Leu (NM_001322005.2, NM_001322003.2, NM_001322004.2); c.2233A>T, p.Met745Leu (NM_001322006.2); c.2071A>T, p.Met691Leu (NM_001322007.2, NM_001322008.2); c.2017A>T, p.Met673Leu (NM_001322009.2); c.1828A>T, p.Met610Leu (NM_001322010.2); c.1456A>T, p.Met486Leu (NM_001322011.2, NM_001322012.2); c.1816A>T, p.Met606Leu (NM_001322013.2); c.2422A>T, p.Met808Leu (NM_001322014.2); and 1 more; short protein forms M797L, M610L, M691L, M694L, M662L, M745L, M808L, M486L.
Identifiers: ClinVar variation 525618 (VCV000525618.18), dbSNP rs1433888137, ClinGen allele CA366735724.
Genomic context (GRCh38, chr7:5,977,644, plus strand): 5'-TTACCGACTTCCGGCAGGCTCTGGAGGCAAACATCTGCTTGACTCGGGAAGGCCGGCACA[T>A]GACCCCAGGGCTGTCGCTCAGCATGAAGATCAGTTCATCGACGTCCTGGGGTCCGAAGGT-3'
Protein context (NP_000526.2, residues 787-807): IFMLSDSPGV[Met797Leu]CRPSRVKQMF